The following is an entry in ClinVar:

ClinVar aggregate classification (germline): Uncertain significance (1 of 4 stars; one submission).

gnomAD v4.1: 1 of 1,596,468 alleles (0.000063%); highest among the groups gnomAD compares: South Asian, 0.0011%; no homozygotes.

Submission:

Labcorp Genetics (formerly Invitae), Labcorp
Classification: Uncertain significance. Last evaluated: 2023-07-10. Review status: criteria provided, single submitter. Criteria: Invitae Variant Classification Sherloc (09022015). Collection method: clinical testing. Allele origin: germline.
Comment: Advanced modeling of protein sequence and biophysical properties (such as structural, functional, and spatial information, amino acid conservation, physicochemical variation, residue mobility, and thermodynamic stability) performed at Invitae indicates that this missense variant is not expected to disrupt TCF3 protein function. ClinVar contains an entry for this variant (Variation ID: 2003992). This variant has not been reported in the literature in individuals affected with TCF3-related conditions. The frequency data for this variant in the population databases is considered unreliable, as metrics indicate poor data quality at this position in the gnomAD database. This sequence change replaces serine, which is neutral and polar, with proline, which is neutral and non-polar, at codon 56 of the TCF3 protein (p.Ser56Pro). In summary, the available evidence is currently insufficient to determine the role of this variant in disease. Therefore, it has been classified as a Variant of Uncertain Significance.

NM_003200.5(TCF3):c.166T>C (p.Ser56Pro)

Gene: TCF3 (transcription factor 3; minus strand). Cytogenetic location: 19p13.3.
Variant type: single nucleotide variant.
Coding change: c.166T>C on transcript NM_003200.5 (MANE Select); coding-DNA position 166, T replaced by C.
Protein change: p.Ser56Pro; replaces serine 56 with proline.
Molecular consequence: missense variant.
Genome position (GRCh38, 1-based): chr19:1,632,385, A>G on the plus strand (T>C on the coding strand, the complement: TCF3 is on the minus strand). VCF-style: chr19-1632385-A-G. GRCh37 (hg19) VCF-style: chr19-1632384-A-G.
Other names: c.166T>C, p.Ser56Pro (NM_001136139.4, NM_001351778.2, NM_001351779.2); short protein forms S56P.
Identifiers: ClinVar variation 2003992 (VCV002003992.4), dbSNP rs1239595896, ClinGen allele CA403080163.
Genomic context (GRCh38, chr19:1,632,385, plus strand): 5'-CTCCTACCCGGCTGGGGTCAAAGGAGGAGCTGCTCTGGTCGCCGCTGCCCCAGGAGCCTG[A>G]GCTGGGCCGGTCCTCAAGACCTGCAGGCAGGACAGAGAGAGTTATGGGTCACCCTCACGC-3'
Protein context (NP_003191.1, residues 46-66): GGSGLEDRPS[Ser56Pro]GSWGSGDQSS